The following is an entry in ClinVar:

ClinVar aggregate classification (germline): Benign/Likely benign. Review status: criteria provided, multiple submitters, no conflicts (2 of 4 stars). 8 submissions from 8 submitters: Benign (7); Likely benign (1). Last evaluated 2026-02-04.

Conditions:
CBL-related disorder. Also called: NOONAN SYNDROME-LIKE DISORDER WITHOUT JUVENILE MYELOMONOCYTIC LEUKEMIA; CBL MUTATION-ASSOCIATED SYNDROME; CBL SYNDROME. Identifiers: Orphanet 363972, MedGen C3150803, MONDO:0013308, OMIM 613563.
Juvenile myelomonocytic leukemia (JMML). Also called: LEUKEMIA, JUVENILE MYELOMONOCYTIC, SOMATIC. Identifiers: Orphanet 86834, MedGen C0349639, MONDO:0011908, OMIM 607785, HP:0012209.
RASopathy. Also called: rasopathies; Noonan spectrum disorder. Identifiers: Orphanet 536391, MedGen C5555857, MONDO:0021060.

Allele frequency attached by ClinVar (database versions not stated): gnomAD exomes 0.00020 and 0.00058; ExAC 0.00063; ESP Exome Variant Server 0.00162; 1000 Genomes Project 0.00200; 1000 Genomes Project 30x 0.00203; gnomAD 0.00221 and 0.00232; TOPMed 0.00244.
gnomAD v4.1: 636 of 1,609,140 alleles (0.04%); highest among the groups gnomAD compares: African/African-American, 0.73%; 5 homozygotes.

Submissions (8):

Labcorp Genetics (formerly Invitae), Labcorp
Classification: Benign for RASopathy. Last evaluated: 2026-02-04. Review status: criteria provided, single submitter. Criteria: Invitae Variant Classification Sherloc (09022015). Collection method: clinical testing. Allele origin: germline.

ARUP Laboratories, Molecular Genetics and Genomics, ARUP Laboratories
Classification: Benign. Last evaluated: 2025-07-07. Review status: criteria provided, single submitter. Criteria: ARUP Molecular Germline Variant Investigation Process 2024. Collection method: clinical testing. Allele origin: germline.

Blueprint Genetics
Classification: Likely benign. Last evaluated: 2024-06-28. Review status: criteria provided, single submitter. Criteria: ACMG Guidelines, 2015. Collection method: clinical testing. Allele origin: germline.

KCCC/NGS Laboratory, Kuwait Cancer Control Center
Classification: Benign for Juvenile myelomonocytic leukemia. Last evaluated: 2023-07-07. Review status: criteria provided, single submitter. Criteria: ACMG Guidelines, 2015. Collection method: clinical testing. Allele origin: germline. Affected: yes.

Women's Health and Genetics/Laboratory Corporation of America, LabCorp
Classification: Benign. Last evaluated: 2021-10-02. Review status: criteria provided, single submitter. Criteria: LabCorp Variant Classification Summary - May 2015. Collection method: clinical testing. Allele origin: germline.

Fulgent Genetics
Classification: Benign for Juvenile myelomonocytic leukemia; CBL-related disorder. Last evaluated: 2021-08-11. Review status: criteria provided, single submitter. Criteria: ACMG Guidelines, 2015. Collection method: clinical testing. Allele origin: unknown.

GeneDx
Classification: Benign for Rasopathy. Last evaluated: 2012-04-02. Review status: criteria provided, single submitter. Criteria: GeneDx Variant Classification (06012015). Collection method: clinical testing. Allele origin: germline. Affected: yes.
Comment: The variant is found in NOONAN panel(s).

PreventionGenetics, part of Exact Sciences
Classification: Benign. Review status: criteria provided, single submitter. Criteria: ACMG Guidelines, 2015. Collection method: clinical testing. Allele origin: germline.

Literature cited by the submitters: PubMed 20951944 (cited by Women's Health and Genetics/Laboratory Corporation of America, LabCorp); PubMed 19620960 (cited by Women's Health and Genetics/Laboratory Corporation of America, LabCorp); PubMed 29296819 (cited by Women's Health and Genetics/Laboratory Corporation of America, LabCorp); PubMed 27069254 (cited by Women's Health and Genetics/Laboratory Corporation of America, LabCorp).

NM_005188.4(CBL):c.869+19A>G

Gene: CBL (Cbl proto-oncogene; plus strand). Cytogenetic location: 11q23.3.
Variant type: single nucleotide variant.
Coding change: c.869+19A>G on transcript NM_005188.4 (MANE Select); 19 bases into the intron after coding-DNA position 869, A replaced by G.
Molecular consequence: intron variant.
Genome position (GRCh38, 1-based): chr11:119,274,972, A>G. VCF-style: chr11-119274972-A-G. GRCh37 (hg19) VCF-style: chr11-119145682-A-G.
Identifiers: ClinVar variation 55795 (VCV000055795.15), dbSNP rs181589369, ClinGen allele CA284660.